The following is an entry in ClinVar:

NM_001271.4(CHD2):c.1685del (p.Val562fs)

Gene: CHD2 (chromodomain helicase DNA binding protein 2; plus strand). Cytogenetic location: 15q26.1.
Variant type: Deletion.
Coding change: c.1685del on transcript NM_001271.4 (MANE Select); coding-DNA position 1685, one base deleted (T; older notation c.1685delT).
Protein change: p.Val562fs; shifts the reading frame from valine 562.
Molecular consequence: frameshift variant.
Genome position (GRCh38, 1-based): chr15:92,953,539, T deleted. VCF-style (leftmost placement, unchanged base first): chr15-92953538-GT-G. GRCh37 (hg19) VCF-style: chr15-93496768-GT-G.
Other names: short protein forms V562fs.
Identifiers: ClinVar variation 3491938 (VCV003491938.1).

ClinVar aggregate classification (germline): Pathogenic (1 of 4 stars; one submission).

Conditions:
Inborn genetic diseases. Identifiers: MedGen C0950123, MeSH D030342.

Submission:

Ambry Genetics
Classification: Pathogenic for Inborn genetic diseases. Last evaluated: 2024-11-27. Review status: criteria provided, single submitter. Criteria: Ambry Variant Classification Scheme 2023. Collection method: clinical testing. Allele origin: germline.
Comment: The c.1685delT (p.V562Gfs*4) alteration, located in exon 14 (coding exon 13) of the CHD2 gene, consists of a deletion of one nucleotide at position 1685, causing a translational frameshift with a predicted alternate stop codon after 4 amino acids. This alteration is expected to result in loss of function by premature protein truncation or nonsense-mediated mRNA decay. This variant was not reported in population-based cohorts in the Genome Aggregation Database (gnomAD). Based on the available evidence, this alteration is classified as pathogenic.